The following is an entry in ClinVar:

NM_000632.4(ITGAM):c.1462G>A (p.Gly488Arg)

Gene: ITGAM (integrin subunit alpha M; plus strand). Cytogenetic location: 16p11.2.
Variant type: single nucleotide variant.
Coding change: c.1462G>A on transcript NM_000632.4 (MANE Select); coding-DNA position 1462, G replaced by A.
Protein change: p.Gly488Arg; replaces glycine 488 with arginine.
Molecular consequence: missense variant.
Genome position (GRCh38, 1-based): chr16:31,297,619, G>A. VCF-style: chr16-31297619-G-A. GRCh37 (hg19) VCF-style: chr16-31308940-G-A.
Other names: c.1462G>A, p.Gly488Arg (NM_001145808.2); short protein forms G488R.
Identifiers: ClinVar variation 3664059 (VCV003664059.2).

ClinVar aggregate classification (germline): Uncertain significance (1 of 4 stars; one submission).

Submission:

Labcorp Genetics (formerly Invitae), Labcorp
Classification: Uncertain significance. Last evaluated: 2024-09-06. Review status: criteria provided, single submitter. Criteria: Invitae Variant Classification Sherloc (09022015). Collection method: clinical testing. Allele origin: germline.
Comment: This sequence change replaces glycine, which is neutral and non-polar, with arginine, which is basic and polar, at codon 488 of the ITGAM protein (p.Gly488Arg). This variant is not present in population databases (gnomAD no frequency). This variant has not been reported in the literature in individuals affected with ITGAM-related conditions. An algorithm developed to predict the effect of missense changes on protein structure and function (PolyPhen-2) suggests that this variant is likely to be disruptive. In summary, the available evidence is currently insufficient to determine the role of this variant in disease. Therefore, it has been classified as a Variant of Uncertain Significance.